The following is an entry in ClinVar:

NM_001321120.2(TBX4):c.*25G>A

Gene: TBX4 (T-box transcription factor 4; plus strand). Cytogenetic location: 17q23.2.
Variant type: single nucleotide variant.
Coding change: c.*25G>A on transcript NM_001321120.2 (MANE Select); 25 bases downstream of the stop codon, G replaced by A.
Molecular consequence: 3 prime UTR variant.
Genome position (GRCh38, 1-based): chr17:61,483,541, G>A. VCF-style: chr17-61483541-G-A. GRCh37 (hg19) VCF-style: chr17-59560902-G-A.
Other names: NC_000017.10:g.59560902G>A; c.*25G>A (LRG_1206t1, NM_018488.3).
Identifiers: ClinVar variation 324267 (VCV000324267.7), dbSNP rs185650741, ClinGen allele CA8690146.

ClinVar aggregate classification (germline): Benign. Review status: criteria provided, multiple submitters, no conflicts (2 of 4 stars). 2 submissions from 2 submitters: Benign (2). Last evaluated 2018-01-12.

Conditions:
Coxopodopatellar syndrome. Also called: ISCHIOPATELLAR DYSPLASIA; SCOTT-TAOR SYNDROME; Small patella syndrome; ISCHIOCOXOPODOPATELLAR SYNDROME; PATELLA APLASIA, COXA VARA, AND TARSAL SYNOSTOSIS; Congenital coxa vara, patella aplasia and tarsal synostosis. Identifiers: Orphanet 1509, MedGen C1840061, MONDO:0007841, OMIM 147891.

Allele frequency attached by ClinVar (database versions not stated): 1000 Genomes Project 0.00140; 1000 Genomes Project 30x 0.00141; ExAC 0.00188; gnomAD exomes 0.00201 and 0.00344; TOPMed 0.00223; gnomAD 0.00233 and 0.00247; ESP Exome Variant Server 0.00338.
gnomAD v4.1: 5,312 of 1,613,680 alleles (0.33%); highest among the groups gnomAD compares: Non-Finnish European, 0.42%; 12 homozygotes.

Submissions (4):

Illumina Laboratory Services, Illumina
Classification: Benign for Coxopodopatellar syndrome. Last evaluated: 2018-01-12. Review status: criteria provided, single submitter. Criteria: ICSL Variant Classification Criteria 13 December 2019. Collection method: clinical testing. Allele origin: germline.
Comment: This variant was observed in the ICSL laboratory as part of a predisposition screen in an ostensibly healthy population. It had not been previously curated by ICSL or reported in the Human Gene Mutation Database (HGMD: prior to June 1st, 2018), and was therefore a candidate for classification through an automated scoring system. Utilizing variant allele frequency, disease prevalence and penetrance estimates, and inheritance mode, an automated score was calculated to assess if this variant is too frequent to cause the disease. Based on the score and internal cut-off values, a variant classified as benign is not then subjected to further curation. The score for this variant resulted in a classification of benign for this disease.

Breakthrough Genomics
Classification: Benign. Review status: criteria provided, single submitter. Criteria: ACMG Guidelines, 2015. Collection method: not provided. Allele origin: germline. Inheritance: Autosomal recessive inheritance. Affected: yes.

Dr. Peter K. Rogan Lab, Western University
No classification provided (evidence only). Condition: Malignant tumor of urinary bladder. Review status: no classification provided. Collection method: in vitro. Allele origin: not applicable. Functional consequence: retained intron. Not counted in ClinVar's aggregate classification.

Dr. Peter K. Rogan Lab, Western University
No classification provided (evidence only). Condition: Ovarian serous cystadenocarcinoma. Review status: no classification provided. Collection method: in vitro. Allele origin: not applicable. Functional consequence: retained intron. Not counted in ClinVar's aggregate classification.